The following is an entry in ClinVar:

ClinVar aggregate classification (germline): Benign/Likely benign. Review status: criteria provided, multiple submitters, no conflicts (2 of 4 stars). 4 submissions from 4 submitters: Benign (1); Likely benign (3). Last evaluated 2025-01-22.

Conditions:
Hereditary cancer-predisposing syndrome. Also called: Tumor predisposition; Hereditary neoplastic syndrome; Neoplastic Syndromes, Hereditary; Hereditary Cancer Syndrome. Identifiers: Orphanet 140162, MedGen C0027672, MeSH D009386, MONDO:0015356.
Familial cancer of breast. Also called: Hereditary breast cancer; hereditary breast carcinoma; BREAST CANCER, FAMILIAL. Identifiers: Orphanet 227535, MedGen C0346153, MONDO:0016419, OMIM 114480. Disease mechanism: loss of function.

Allele frequency attached by ClinVar (database versions not stated): gnomAD exomes 0.00001.
gnomAD v4.1: 7 of 1,614,118 alleles (0.00043%); highest among the groups gnomAD compares: South Asian, 0.0077%; no homozygotes.

Submissions (4):

Myriad Genetics, Inc.
Classification: Benign for Familial cancer of breast. Last evaluated: 2025-01-22. Review status: criteria provided, single submitter. Criteria: Myriad Autosomal Dominant, Autosomal Recessive and X-Linked Classification Criteria (2023). Collection method: clinical testing. Allele origin: unknown.
Comment: This variant is considered benign. This variant is a silent/synonymous amino acid change and it is not expected to impact splicing.

Labcorp Genetics (formerly Invitae), Labcorp
Classification: Likely benign for Familial cancer of breast. Last evaluated: 2024-02-12. Review status: criteria provided, single submitter. Criteria: Invitae Variant Classification Sherloc (09022015). Collection method: clinical testing. Allele origin: germline.

Blueprint Genetics
Classification: Likely benign. Last evaluated: 2022-09-02. Review status: criteria provided, single submitter. Criteria: ACMG Guidelines, 2015. Collection method: clinical testing. Allele origin: germline.

Color Diagnostics, LLC DBA Color Health
Classification: Likely benign for Hereditary cancer-predisposing syndrome. Last evaluated: 2021-07-26. Review status: criteria provided, single submitter. Criteria: ACMG Guidelines, 2015. Collection method: clinical testing. Allele origin: germline.

NM_024675.4(PALB2):c.3288C>T (p.Asn1096=)

Gene: PALB2 (partner and localizer of BRCA2; minus strand). Cytogenetic location: 16p12.2.
Variant type: single nucleotide variant.
Coding change: c.3288C>T on transcript NM_024675.4 (MANE Select); coding-DNA position 3288, C replaced by T.
Protein change: p.Asn1096=; no amino-acid change (asparagine 1096 retained).
Molecular consequence: synonymous variant.
Genome position (GRCh38, 1-based): chr16:23,607,926, G>A on the plus strand (C>T on the coding strand, the complement: PALB2 is on the minus strand). VCF-style: chr16-23607926-G-A. GRCh37 (hg19) VCF-style: chr16-23619247-G-A.
Identifiers: ClinVar variation 758461 (VCV000758461.14), dbSNP rs1597066782, ClinGen allele CA494175613.
Genomic context (GRCh38, chr16:23,607,926, plus strand): 5'-GCCAGCCTGCCCTGGAGGAAGACAGTACAGCATCACACCCACGCTGAGAGTCGTCTTAGG[G>A]TTAATCACAATGAGCTGAAACACAGGGCTTCGCAACGACTCACTCTCTTTGGCACAGGGA-3'
Protein context (NP_078951.2, residues 1086-1106): RSPVFQLIVI[Asn1096=]PKTTLSVGVM